The following is an entry in ClinVar:

ClinVar aggregate classification (germline): Conflicting classifications of pathogenicity. Review status: criteria provided, conflicting classifications (1 of 4 stars). 3 submissions from 3 submitters: Likely pathogenic (2); Uncertain significance (1). Last evaluated 2025-08-29.

Conditions:
Hypophosphatasia. Also called: Phosphoethanol-aminuria. Identifiers: Orphanet 436, MedGen C0020630, MeSH D007014, MONDO:0018570.

Submissions (3):

Genomenon, Inc
Classification: Likely pathogenic for Hypophosphatasia. Last evaluated: 2025-08-29. Review status: criteria provided, single submitter. Criteria: Genomenon Sequence Variant Interpretation Standards. Collection method: curation. Allele origin: germline. Affected: yes.
Comment: ALPL c.567C>A is a missense variant that changes the amino acid at residue 189 from Aspartic acid to Glutamic acid. This variant has been observed in a proband affected with hypophosphatasia (PMID:12815606). This variant has been described as Asp172Glu in the literature. It is absent or not present at a significant frequency in gnomAD. In silico models agree that this variant is possibly or probably damaging. The presence of pathogenic missense variant(s) at the same amino acid position indicates that this residue is likely important for protein function. In conclusion, we classify ALPL p.Asp189Glu (c.567C>A) as a likely pathogenic variant.

Labcorp Genetics (formerly Invitae), Labcorp
Classification: Likely pathogenic. Last evaluated: 2025-04-07. Review status: criteria provided, single submitter. Criteria: Invitae Variant Classification Sherloc (09022015). Collection method: clinical testing. Allele origin: germline.
Comment: This sequence change replaces aspartic acid, which is acidic and polar, with glutamic acid, which is acidic and polar, at codon 189 of the ALPL protein (p.Asp189Glu). This variant is not present in population databases (gnomAD no frequency). This missense change has been observed in individual(s) with hypophosphatasia (PMID: 12815606). This variant is also known as D172E. ClinVar contains an entry for this variant (Variation ID: 3571605). Invitae Evidence Modeling of protein sequence and biophysical properties (such as structural, functional, and spatial information, amino acid conservation, physicochemical variation, residue mobility, and thermodynamic stability) indicates that this missense variant is expected to disrupt ALPL protein function with a positive predictive value of 95%. This variant disrupts the p.Asp189Asn amino acid residue in ALPL. Other variant(s) that disrupt this residue have been observed in individuals with ALPL-related conditions (PMID: 32160374), which suggests that this may be a clinically significant amino acid residue. In summary, the currently available evidence indicates that the variant is pathogenic, but additional data are needed to prove that conclusively. Therefore, this variant has been classified as Likely Pathogenic.

Athena Diagnostics
Classification: Uncertain significance. Last evaluated: 2024-12-09. Review status: criteria provided, single submitter. Criteria: Athena Diagnostics Criteria. Collection method: clinical testing. Allele origin: unknown.
Comment: Available data are insufficient to determine the clinical significance of the variant at this time. This variant has not been reported in large, multi-ethnic general populations. This variant has been identified in at least one individual with autosomal recessive hypophosphatasia. Polyphen and MutationTaster predict this amino acid change may be damaging to the protein. At least one other missense variant at this codon is considered to be pathogenic or likely pathogenic, suggesting this variant may also cause disease.

Literature cited by the submitters: PubMed 12815606 (cited by 3 submitters); PubMed 32160374 (cited by Labcorp Genetics (formerly Invitae), Labcorp); PubMed 32973344 (cited by Athena Diagnostics).

NM_000478.6(ALPL):c.567C>A (p.Asp189Glu)

Gene: ALPL (alkaline phosphatase, biomineralization associated; plus strand). Cytogenetic location: 1p36.12.
Variant type: single nucleotide variant.
Coding change: c.567C>A on transcript NM_000478.6 (MANE Select); coding-DNA position 567, C replaced by A.
Protein change: p.Asp189Glu; replaces aspartic acid 189 with glutamic acid.
Molecular consequence: missense variant.
Genome position (GRCh38, 1-based): chr1:21,564,135, C>A. VCF-style: chr1-21564135-C-A. GRCh37 (hg19) VCF-style: chr1-21890628-C-A.
Other names: c.402C>A, p.Asp134Glu (NM_001127501.4); c.336C>A, p.Asp112Glu (NM_001177520.3); c.567C>A, p.Asp189Glu (NM_001369803.2, NM_001369804.2, NM_001369805.2); short protein forms D189E, D134E, D112E.
Identifiers: ClinVar variation 3571605 (VCV003571605.4).